The following is an entry in ClinVar:

ClinVar aggregate classification (germline): Uncertain significance. Review status: criteria provided, multiple submitters, no conflicts (2 of 4 stars). 3 submissions from 3 submitters: Uncertain significance (3). Last evaluated 2025-02-27.

Allele frequency attached by ClinVar (database versions not stated): ExAC 0.00001; gnomAD exomes 0.00002.
gnomAD v4.1: 11 of 1,611,568 alleles (0.00068%); highest among the groups gnomAD compares: Middle Eastern, 0.033%; no homozygotes.

Submissions (3):

Ambry Genetics
Classification: Uncertain significance. Last evaluated: 2025-02-27. Review status: criteria provided, single submitter. Criteria: Ambry Variant Classification Scheme 2023. Collection method: clinical testing. Allele origin: germline.
Comment: The p.R455P variant (also known as c.1364G>C), located in coding exon 11 of the RECQL gene, results from a G to C substitution at nucleotide position 1364. The arginine at codon 455 is replaced by proline, an amino acid with dissimilar properties. This amino acid position is highly conserved in available vertebrate species. In addition, this alteration is predicted to be deleterious by in silico analysis. Since supporting evidence is limited at this time, the clinical significance of this alteration remains unclear.

GeneDx
Classification: Uncertain significance. Last evaluated: 2024-12-26. Review status: criteria provided, single submitter. Criteria: GeneDx Variant Classification Process June 2021. Collection method: clinical testing. Allele origin: germline.
Comment: Not observed at significant frequency in large population cohorts (gnomAD); In silico analysis supports that this missense variant has a deleterious effect on protein structure/function; Has not been previously published as pathogenic or benign to our knowledge; Variants in candidate genes are classified as variants of uncertain significance in accordance with ACMG guidelines (PMID: 25741868); This variant is associated with the following publications: (PMID: 25356899, 27460824, 27248010, 19151156)

Labcorp Genetics (formerly Invitae), Labcorp
Classification: Uncertain significance. Last evaluated: 2024-04-11. Review status: criteria provided, single submitter. Criteria: Invitae Variant Classification Sherloc (09022015). Collection method: clinical testing. Allele origin: germline.
Comment: This sequence change replaces arginine, which is basic and polar, with proline, which is neutral and non-polar, at codon 455 of the RECQL protein (p.Arg455Pro). This variant is present in population databases (rs778148225, gnomAD 0.004%). This variant has not been reported in the literature in individuals affected with RECQL-related conditions. ClinVar contains an entry for this variant (Variation ID: 854342). Advanced modeling of protein sequence and biophysical properties (such as structural, functional, and spatial information, amino acid conservation, physicochemical variation, residue mobility, and thermodynamic stability) performed at Invitae indicates that this missense variant is expected to disrupt RECQL protein function with a positive predictive value of 80%. In summary, the available evidence is currently insufficient to determine the role of this variant in disease. Therefore, it has been classified as a Variant of Uncertain Significance.

NM_002907.4(RECQL):c.1364G>C (p.Arg455Pro)

Gene: RECQL (RecQ like helicase; minus strand). Cytogenetic location: 12p12.1.
Variant type: single nucleotide variant.
Coding change: c.1364G>C on transcript NM_002907.4 (MANE Select); coding-DNA position 1364, G replaced by C.
Protein change: p.Arg455Pro; replaces arginine 455 with proline.
Molecular consequence: missense variant.
Genome position (GRCh38, 1-based): chr12:21,473,634, C>G on the plus strand (G>C on the coding strand, the complement: RECQL is on the minus strand). VCF-style: chr12-21473634-C-G. GRCh37 (hg19) VCF-style: chr12-21626568-C-G.
Other names: c.1364G>C, p.Arg455Pro (NM_032941.3); short protein forms R455P.
Identifiers: ClinVar variation 854342 (VCV000854342.15), dbSNP rs778148225, ClinGen allele CA6478764.